The following is an entry in ClinVar:

NM_018344.6(SLC29A3):c.898C>T (p.Pro300Ser)

Gene: SLC29A3 (solute carrier family 29 member 3; plus strand). Cytogenetic location: 10q22.1.
Variant type: single nucleotide variant.
Coding change: c.898C>T on transcript NM_018344.6 (MANE Select); coding-DNA position 898, C replaced by T.
Protein change: p.Pro300Ser; replaces proline 300 with serine.
Molecular consequence: missense variant. On other transcripts: 3 prime UTR variant (1), non-coding transcript variant (2).
Genome position (GRCh38, 1-based): chr10:71,362,078, C>T. VCF-style: chr10-71362078-C-T. GRCh37 (hg19) VCF-style: chr10-73121835-C-T.
Other names: c.*127C>T (NM_001174098.2); c.664C>T, p.Pro222Ser (NM_001363518.2); short protein forms P300S, P222S.
Identifiers: ClinVar variation 1938302 (VCV001938302.5), dbSNP rs1386248709, ClinGen allele CA377114554.
Genomic context (GRCh38, chr10:71,362,078, plus strand): 5'-TCCCTCAGTGCCCCTTCGGTGGCCTCCAGATTCATTGATTCCCACACACCCCCTCTCCGC[C>T]CCATCCTGAAGAAGACGGCCAGCCTGGGCTTCTGTGTCACCTACGTCTTCTTCATCACCA-3'
Protein context (NP_060814.4, residues 290-310): FIDSHTPPLR[Pro300Ser]ILKKTASLGF

ClinVar aggregate classification (germline): Uncertain significance (1 of 4 stars; one submission).

Conditions:
H syndrome. Also called: HISTIOCYTOSIS AND LYMPHADENOPATHY WITH OR WITHOUT CUTANEOUS, CARDIAC, AND/OR ENDOCRINE FEATURES, JOINT CONTRACTURES, AND/OR DEAFNESS; HYPERPIGMENTATION, CUTANEOUS, WITH HYPERTRICHOSIS, HEPATOSPLENOMEGALY, HEART ANOMALIES, AND HYPOGONADISM WITH OR WITHOUT HEARING LOSS; PIGMENTED HYPERTRICHOSIS WITH INSULIN-DEPENDENT DIABETES MELLITUS; ROSAI-DORFMAN DISEASE, FAMILIAL; SINUS HISTIOCYTOSIS AND MASSIVE LYMPHADENOPATHY; Hyperpigmentation, Cutaneous, with Hypertrichosis, Hepatosplenomegaly, Heart Anomalies, Hearing Loss, and Hypogonadism. Identifiers: Orphanet 168569, MedGen C1864445, MONDO:0011273, OMIM 602782.

Submission:

Labcorp Genetics (formerly Invitae), Labcorp
Classification: Uncertain significance for H syndrome. Last evaluated: 2022-02-21. Review status: criteria provided, single submitter. Criteria: Invitae Variant Classification Sherloc (09022015). Collection method: clinical testing. Allele origin: germline.
Comment: In summary, the available evidence is currently insufficient to determine the role of this variant in disease. Therefore, it has been classified as a Variant of Uncertain Significance. Algorithms developed to predict the effect of missense changes on protein structure and function (SIFT, PolyPhen-2, Align-GVGD) all suggest that this variant is likely to be tolerated. This variant has not been reported in the literature in individuals affected with SLC29A3-related conditions. This variant is not present in population databases (gnomAD no frequency). This sequence change replaces proline, which is neutral and non-polar, with serine, which is neutral and polar, at codon 300 of the SLC29A3 protein (p.Pro300Ser).